The following is an entry in ClinVar:

NM_006019.4(TCIRG1):c.157del (p.Val53fs)

Gene: TCIRG1 (T cell immune regulator 1, ATPase H+ transporting V0 subunit a3; plus strand). Cytogenetic location: 11q13.2.
Variant type: Deletion.
Coding change: c.157del on transcript NM_006019.4 (MANE Select); coding-DNA position 157, one base deleted (G; older notation c.157delG).
Protein change: p.Val53fs; shifts the reading frame from valine 53.
Molecular consequence: frameshift variant. On other transcripts: 5 prime UTR variant (1), intron variant (1).
Genome position (GRCh38, 1-based): chr11:68,041,792, G deleted; the last of 2 consecutive G bases (chr11:68,041,791-68,041,792); deleting either gives the same sequence. VCF-style (leftmost placement, unchanged base first): chr11-68041790-TG-T. GRCh37 (hg19) VCF-style: chr11-67809257-TG-T.
Other names: c.-1093del (NM_001351059.2); c.157del, p.Val53fs (NM_001440552.1, NM_001440553.1, NM_001440554.1 and 9 more transcripts); c.115del, p.Val39fs (NM_001440555.1, NM_001440556.1, NM_001440563.1 and 2 more transcripts); c.117+404del (NM_001440565.1); short protein forms V39fs, V53fs.
Identifiers: ClinVar variation 4723614 (VCV004723614.1).

ClinVar aggregate classification (germline): Pathogenic (1 of 4 stars; one submission).

Submission:

Labcorp Genetics (formerly Invitae), Labcorp
Classification: Pathogenic. Last evaluated: 2025-07-21. Review status: criteria provided, single submitter. Criteria: Invitae Variant Classification Sherloc (09022015). Collection method: clinical testing. Allele origin: germline.
Comment: This sequence change creates a premature translational stop signal (p.Val53Leufs*113) in the TCIRG1 gene. It is expected to result in an absent or disrupted protein product. Loss-of-function variants in TCIRG1 are known to be pathogenic (PMID: 10888887, 10942435, 11532986, 19448635). This variant is not present in population databases (gnomAD no frequency). This variant has not been reported in the literature in individuals affected with TCIRG1-related conditions. For these reasons, this variant has been classified as Pathogenic.

Literature cited by the submitters: PubMed 10888887; PubMed 10942435; PubMed 11532986; PubMed 19448635.